The following is an entry in ClinVar:

ClinVar aggregate classification (germline): Benign. Review status: criteria provided, multiple submitters, no conflicts (2 of 4 stars). 3 submissions from 3 submitters: Benign (2). 1 of the submissions does not count toward it. Last evaluated 2026-01-28.

Conditions:
FASN-related disorder. Also called: FASN-related condition.
Epileptic encephalopathy. Identifiers: MedGen C0543888, HP:0200134.

Allele frequency attached by ClinVar (database versions not stated): ExAC 0.00067; ESP Exome Variant Server 0.00200; TOPMed 0.00239; gnomAD 0.00243; 1000 Genomes Project 30x 0.00297; 1000 Genomes Project 0.00319.
gnomAD v4.1: 666 of 1,610,508 alleles (0.041%); highest among the groups gnomAD compares: African/African-American, 0.79%; 3 homozygotes.

Submissions (3):

Labcorp Genetics (formerly Invitae), Labcorp
Classification: Benign for Epileptic encephalopathy. Last evaluated: 2026-01-28. Review status: criteria provided, single submitter. Criteria: Invitae Variant Classification Sherloc (09022015). Collection method: clinical testing. Allele origin: germline.

Breakthrough Genomics
Classification: Benign. Review status: criteria provided, single submitter. Criteria: ACMG Guidelines, 2015. Collection method: not provided. Allele origin: germline. Inheritance: Unknown mechanism. Affected: yes.

PreventionGenetics, part of Exact Sciences
Classification: Likely benign for FASN-related condition. Last evaluated: 2019-03-19. Review status: no assertion criteria provided. Collection method: clinical testing. Allele origin: germline. Not counted in ClinVar's aggregate classification.
Comment: This variant is classified as likely benign based on ACMG/AMP sequence variant interpretation guidelines (Richards et al. 2015 PMID: 25741868, with internal and published modifications).

NM_004104.5(FASN):c.6118G>T (p.Ala2040Ser)

Gene: FASN (fatty acid synthase; minus strand). Cytogenetic location: 17q25.3.
Variant type: single nucleotide variant.
Coding change: c.6118G>T on transcript NM_004104.5 (MANE Select); coding-DNA position 6118, G replaced by T.
Protein change: p.Ala2040Ser; replaces alanine 2040 with serine.
Molecular consequence: missense variant.
Genome position (GRCh38, 1-based): chr17:82,082,054, C>A on the plus strand (G>T on the coding strand, the complement: FASN is on the minus strand). VCF-style: chr17-82082054-C-A. GRCh37 (hg19) VCF-style: chr17-80039930-C-A.
Other names: short protein forms A2040S.
Identifiers: ClinVar variation 462090 (VCV000462090.15), dbSNP rs150748779, ClinGen allele CA8851427.
Genomic context (GRCh38, chr17:82,082,054, plus strand): 5'-GAGGGTGGGGCCCACCTGGGAGGCCTTCGTGCCGGCGTTTCTCACAGATACGCTCCATGG[C>A]GGAATTGGCAAAGCCGTAGTTGCTCTGTCCCGCATTGCCACGCCCGCAGCTCACAGAGGA-3'
Protein context (NP_004095.4, residues 2030-2050): GQSNYGFANS[Ala2040Ser]MERICEKRRH